The following is an entry in ClinVar:

ClinVar aggregate classification (germline): Uncertain significance. Review status: criteria provided, multiple submitters, no conflicts (2 of 4 stars). 2 submissions from 2 submitters: Uncertain significance (2). Last evaluated 2022-12-27.

Submissions (2):

Ambry Genetics
Classification: Uncertain significance. Last evaluated: 2022-12-27. Review status: criteria provided, single submitter. Criteria: Ambry Variant Classification Scheme 2023. Collection method: clinical testing. Allele origin: germline.

Labcorp Genetics (formerly Invitae), Labcorp
Classification: Uncertain significance. Last evaluated: 2022-09-17. Review status: criteria provided, single submitter. Criteria: Invitae Variant Classification Sherloc (09022015). Collection method: clinical testing. Allele origin: germline.
Comment: This sequence change replaces serine, which is neutral and polar, with asparagine, which is neutral and polar, at codon 483 of the ATP2B2 protein (p.Ser483Asn). This variant is not present in population databases (gnomAD no frequency). This variant has not been reported in the literature in individuals affected with ATP2B2-related conditions. Advanced modeling of protein sequence and biophysical properties (such as structural, functional, and spatial information, amino acid conservation, physicochemical variation, residue mobility, and thermodynamic stability) performed at Invitae indicates that this missense variant is not expected to disrupt ATP2B2 protein function. In summary, the available evidence is currently insufficient to determine the role of this variant in disease. Therefore, it has been classified as a Variant of Uncertain Significance.

NM_001001331.4(ATP2B2):c.1583G>A (p.Ser528Asn)

Gene: ATP2B2 (ATPase plasma membrane Ca2+ transporting 2; minus strand). Cytogenetic location: 3p25.3.
Variant type: single nucleotide variant.
Coding change: c.1583G>A on transcript NM_001001331.4 (MANE Select); coding-DNA position 1583, G replaced by A.
Protein change: p.Ser528Asn; replaces serine 528 with asparagine.
Molecular consequence: missense variant.
Genome position (GRCh38, 1-based): chr3:10,371,885, C>T on the plus strand (G>A on the coding strand, the complement: ATP2B2 is on the minus strand). VCF-style: chr3-10371885-C-T. GRCh37 (hg19) VCF-style: chr3-10413569-C-T.
Other names: c.1448G>A, p.Ser483Asn (NM_001330611.3, NM_001353564.1, NM_001363862.1 and 1 more transcripts); short protein forms S483N, S528N.
Identifiers: ClinVar variation 1966142 (VCV001966142.6), dbSNP rs769272435, ClinGen allele CA351783399.